The following is an entry in ClinVar:

NM_006267.5(RANBP2):c.3161A>G (p.Gln1054Arg)

Gene: RANBP2 (RAN binding protein 2; plus strand). Cytogenetic location: 2q13.
Variant type: single nucleotide variant.
Coding change: c.3161A>G on transcript NM_006267.5 (MANE Select); coding-DNA position 3161, A replaced by G.
Protein change: p.Gln1054Arg; replaces glutamine 1054 with arginine.
Molecular consequence: missense variant.
Genome position (GRCh38, 1-based): chr2:108,763,700, A>G. VCF-style: chr2-108763700-A-G. GRCh37 (hg19) VCF-style: chr2-109380156-A-G.
Other names: short protein forms Q1054R.
Identifiers: ClinVar variation 469448 (VCV000469448.9), dbSNP rs1553494404, ClinGen allele CA348060838.

ClinVar aggregate classification (germline): Uncertain significance (1 of 4 stars; one submission).

Conditions:
Familial acute necrotizing encephalopathy (IIAE3). Also called: Susceptibility to Acute Necrotizing Encephalopathy 1; ENCEPHALOPATHY, ACUTE, INFECTION-INDUCED, SUSCEPTIBILITY TO, 3. Identifiers: Orphanet 88619, MedGen C2675556, MONDO:0011953, OMIM 608033.

Allele frequency attached by ClinVar (database versions not stated): gnomAD exomes below 0.00001.
gnomAD v4.1: 1 of 1,614,122 alleles (0.000062%); highest among the groups gnomAD compares: Non-Finnish European, 0.000085%; no homozygotes.

Submission:

Labcorp Genetics (formerly Invitae), Labcorp
Classification: Uncertain significance for Familial acute necrotizing encephalopathy. Last evaluated: 2017-04-20. Review status: criteria provided, single submitter. Criteria: Invitae Variant Classification Sherloc (09022015). Collection method: clinical testing. Allele origin: germline.
Comment: This variant is not present in population databases (ExAC no frequency) and has not been reported in the literature in individuals with a RANBP2-related disease. This sequence change replaces glutamine with arginine at codon 1054 of the RANBP2 protein (p.Gln1054Arg). The glutamine residue is highly conserved and there is a small physicochemical difference between glutamine and arginine. Algorithms developed to predict the effect of missense changes on protein structure and function (SIFT, PolyPhen-2, Align-GVGD) all suggest that this variant is likely to be tolerated, but these predictions have not been confirmed by published functional studies. In summary, this variant is a novel missense change that is not predicted to affect protein function. There is no indication that it causes disease, but the available evidence is currently insufficient to prove that conclusively. Therefore, it has been classified as a Variant of Uncertain Significance.